The following is an entry in ClinVar:

NM_015021.3(ZNF292):c.6172C>T (p.Gln2058Ter)

Gene: ZNF292 (zinc finger protein 292; plus strand). Cytogenetic location: 6q14.3.
Variant type: single nucleotide variant.
Coding change: c.6172C>T on transcript NM_015021.3 (MANE Select); coding-DNA position 6172, C replaced by T.
Protein change: p.Gln2058Ter; replaces glutamine 2058 with a stop codon.
Molecular consequence: nonsense.
Genome position (GRCh38, 1-based): chr6:87,259,801, C>T. VCF-style: chr6-87259801-C-T. GRCh37 (hg19) VCF-style: chr6-87969519-C-T.
Other names: c.5752C>T, p.Gln1918Ter (NM_001351444.2); short protein forms Q1918*, Q2058*.
Identifiers: ClinVar variation 2630741 (VCV002630741.1), dbSNP rs2482353470, ClinGen allele CA364936592.
Genomic context (GRCh38, chr6:87,259,801, plus strand): 5'-GTGATCCCAGAAAAACAACTTGTAGAAAAAAAAAGTCCTGACAAAACAGAAAGTTCTTTA[C>T]AAGTGATTACAGTTACTTCAGAACAATGTAATACAAATGCACTCACAAACACACAAACCA-3'

ClinVar aggregate classification (germline): Likely pathogenic (1 of 4 stars; one submission).

Conditions:
ZNF292-related disorder. Also called: ZNF292-related condition.

Submission:

PreventionGenetics, part of Exact Sciences
Classification: Likely pathogenic for ZNF292-related condition. Last evaluated: 2023-09-11. Review status: criteria provided, single submitter. Criteria: ACMG Guidelines, 2015. Collection method: clinical testing. Allele origin: germline.
Comment: The ZNF292 c.6172C>T variant is predicted to result in premature protein termination (p.Gln2058*). To our knowledge, this variant has not been reported in the literature or in a large population database, indicating this variant is rare. Nonsense variants in ZNF292 are expected to be pathogenic. This variant is interpreted as likely pathogenic.